The following is an entry in ClinVar:

NM_000214.3(JAG1):c.2465del (p.Asn822fs)

Gene: JAG1 (jagged canonical Notch ligand 1; minus strand). Cytogenetic location: 20p12.2.
Variant type: Deletion.
Coding change: c.2465del on transcript NM_000214.3 (MANE Select); coding-DNA position 2465, one base deleted (A; older notation c.2465delA).
Protein change: p.Asn822fs; shifts the reading frame from asparagine 822.
Molecular consequence: frameshift variant.
Genome position (GRCh38, 1-based): chr20:10,642,595, T deleted on the plus strand (A on the coding strand, the reverse complement: JAG1 is on the minus strand); the first of 2 consecutive T bases (chr20:10,642,595-10,642,596); deleting either gives the same sequence. VCF-style (leftmost placement, unchanged base first): chr20-10642594-AT-A. GRCh37 (hg19) VCF-style: chr20-10623242-AT-A.
Other names: c.2465del, p.Asn822fs (LRG_1191t1); short protein forms N822fs.
Identifiers: ClinVar variation 213560 (VCV000213560.2), dbSNP rs863223673, ClinGen allele CA321461.

ClinVar aggregate classification (germline): Pathogenic (1 of 4 stars; one submission).

Submission:

GeneDx
Classification: Pathogenic. Last evaluated: 2017-12-07. Review status: criteria provided, single submitter. Criteria: GeneDx Variant Classification (06012015). Collection method: clinical testing. Allele origin: germline. Affected: yes.
Comment: The c.2465delA mutation in the JAG1 gene causes a frameshift starting with codon Asparagine 822, changes this amino acid to a Methionine residue and creates a premature Stop codon at position 48 of the new reading frame, denoted p.Asn822MetfsX48. This mutation is predicted to cause loss of normal protein function either through protein truncation or nonsense-mediated mRNA decay. The c.2465delA frameshift mutation was notobserved in approximately 6,500 individuals of European and African American ancestry in the NHLBI Exome Sequencing Project, indicating it is not a common benign variant in these populations. This mutation has not been previously reported to our knowledge.